The following is an entry in ClinVar:

ClinVar aggregate classification (germline): Likely benign. Review status: criteria provided, multiple submitters, no conflicts (2 of 4 stars). 4 submissions from 4 submitters: Likely benign (3). 1 of the submissions does not count toward it. Last evaluated 2025-09-03.

Conditions:
TRIO-related disorder. Also called: TRIO-related disorders; TRIO-related condition.
Inborn genetic diseases. Identifiers: MedGen C0950123, MeSH D030342.

Submissions (4):

Ambry Genetics
Classification: Likely benign for Inborn genetic diseases. Last evaluated: 2025-09-03. Review status: criteria provided, single submitter. Criteria: Ambry Variant Classification Scheme 2023. Collection method: clinical testing. Allele origin: germline.

GeneDx
Classification: Likely benign. Last evaluated: 2021-10-30. Review status: criteria provided, single submitter. Criteria: GeneDx Variant Classification Process June 2021. Collection method: clinical testing. Allele origin: germline. Affected: yes.

Labcorp Genetics (formerly Invitae), Labcorp
Classification: Likely benign. Last evaluated: 2019-12-31. Review status: criteria provided, single submitter. Criteria: Invitae Variant Classification Sherloc (09022015). Collection method: clinical testing. Allele origin: germline.

PreventionGenetics, part of Exact Sciences
Classification: Benign for TRIO-related condition. Last evaluated: 2023-01-05. Review status: no assertion criteria provided. Collection method: clinical testing. Allele origin: germline. Not counted in ClinVar's aggregate classification.
Comment: This variant is classified as benign based on ACMG/AMP sequence variant interpretation guidelines (Richards et al. 2015 PMID: 25741868, with internal and published modifications).

NM_007118.4(TRIO):c.6912_6929dup (p.2301_2306GSGGGG[3])

Gene: TRIO (trio Rho guanine nucleotide exchange factor; plus strand). Cytogenetic location: 5p15.2.
Variant type: Duplication.
Coding change: c.6912_6929dup on transcript NM_007118.4 (MANE Select); coding-DNA positions 6912 to 6929, 18 bases duplicated (GGGTGGGGGCAGCGGCGG).
Protein change: p.2301_2306GSGGGG[3].
Molecular consequence: inframe insertion. On other transcripts: non-coding transcript variant (1).
Genome position (GRCh38, 1-based): chr5:14,487,540-14,487,557, GGGTGGGGGCAGCGGCGG duplicated; duplicating any 18 consecutive bases within chr5:14,487,526-14,487,557 gives the same sequence; the c. name uses the placement nearest the transcript's 3' end. VCF-style (leftmost placement, unchanged base first): chr5-14487525-C-CGGGGGCAGCGGCGGGGGT. GRCh37 (hg19) VCF-style: chr5-14487634-C-CGGGGGCAGCGGCGGGGGT.
Other names: c.6912_6929dupGGGTGGGGGCAGCGGCGG (NM_007118.2); c.6912_6929dup18 (NM_007118.3).
Identifiers: ClinVar variation 791027 (VCV000791027.11), dbSNP rs753778775, ClinGen allele CA443537157.